The following is an entry in ClinVar:

ClinVar aggregate classification (germline): Uncertain significance (1 of 4 stars; one submission).

Conditions:
Cardiovascular phenotype. Identifiers: MedGen CN230736.

gnomAD v4.1: 1 of 1,614,046 alleles (0.000062%); highest among the groups gnomAD compares: Non-Finnish European, 0.000085%; no homozygotes.

Submission:

Ambry Genetics
Classification: Uncertain significance for Cardiovascular phenotype. Last evaluated: 2023-02-27. Review status: criteria provided, single submitter. Criteria: Ambry Variant Classification Scheme 2023. Collection method: clinical testing. Allele origin: germline.
Comment: The p.I3285M variant (also known as c.9855C>G), located in coding exon 38 of the ANK2 gene, results from a C to G substitution at nucleotide position 9855. The isoleucine at codon 3285 is replaced by methionine, an amino acid with highly similar properties. This amino acid position is conserved. In addition, this alteration is predicted to be deleterious by in silico analysis. Since supporting evidence is limited at this time, the clinical significance of this alteration remains unclear.

NM_001148.6(ANK2):c.9855C>G (p.Ile3285Met)

Gene: ANK2 (ankyrin 2; plus strand). Cytogenetic location: 4q26.
Variant type: single nucleotide variant.
Coding change: c.9855C>G on transcript NM_001148.6 (MANE Select); coding-DNA position 9855, C replaced by G.
Protein change: p.Ile3285Met; replaces isoleucine 3285 with methionine.
Molecular consequence: missense variant. On other transcripts: intron variant (68).
Genome position (GRCh38, 1-based): chr4:113,358,473, C>G. VCF-style: chr4-113358473-C-G. GRCh37 (hg19) VCF-style: chr4-114279629-C-G.
Other names: c.9621C>G, p.Ile3207Met (NM_001386142.1); c.6255C>G, p.Ile2085Met (NM_001386166.1); c.9996C>G, p.Ile3332Met (NM_001386174.1); c.9972C>G, p.Ile3324Met (NM_001386175.1); c.4412-2350C>G (NM_001386186.2, NM_001386148.2); c.4214-2350C>G (NM_001354269.3); c.4292-2350C>G (NM_001386187.2); c.4253-2350C>G (NM_001386147.1); and 35 more; short protein forms I3324M, I3285M, I3332M, I2085M, I3207M.
Identifiers: ClinVar variation 2450654 (VCV002450654.2), dbSNP rs746767166, ClinGen allele CA357939149.